The following is an entry in ClinVar:

NM_005267.5(GJA8):c.1104G>A (p.Glu368=)

Gene: GJA8 (gap junction protein alpha 8; plus strand). Cytogenetic location: 1q21.2.
Variant type: single nucleotide variant.
Coding change: c.1104G>A on transcript NM_005267.5 (MANE Select); coding-DNA position 1104, G replaced by A.
Protein change: p.Glu368=; no amino-acid change (glutamic acid 368 retained).
Molecular consequence: synonymous variant.
Genome position (GRCh38, 1-based): chr1:147,909,059, G>A. VCF-style: chr1-147909059-G-A. GRCh37 (hg19) VCF-style: chr1-147381186-G-A.
Identifiers: ClinVar variation 772433 (VCV000772433.4), dbSNP rs145146702, ClinGen allele CA1066085.

ClinVar aggregate classification (germline): Benign/Likely benign. Review status: criteria provided, multiple submitters, no conflicts (2 of 4 stars). 2 submissions from 2 submitters: Benign (1); Likely benign (1). Last evaluated 2025-07-15.

Conditions:
GJA8-related disorder. Also called: GJA8-related condition.

Allele frequency attached by ClinVar (database versions not stated): TOPMed 0.00039; gnomAD 0.00042 and 0.00045; ESP Exome Variant Server 0.00054; 1000 Genomes Project 0.00060; 1000 Genomes Project 30x 0.00062.
gnomAD v4.1: 112 of 1,603,812 alleles (0.007%); highest among the groups gnomAD compares: African/African-American, 0.13%; no homozygotes.

Submissions (2):

PreventionGenetics, part of Exact Sciences
Classification: Likely benign for GJA8-related condition. Last evaluated: 2025-07-15. Review status: criteria provided, single submitter. Criteria: ACMG Guidelines, 2015. Collection method: clinical testing. Allele origin: germline.
Comment: This variant is classified as likely benign based on ACMG/AMP sequence variant interpretation guidelines (Richards et al. 2015 PMID: 25741868, with internal and published modifications).

Labcorp Genetics (formerly Invitae), Labcorp
Classification: Benign. Last evaluated: 2018-09-24. Review status: criteria provided, single submitter. Criteria: Invitae Variant Classification Sherloc (09022015). Collection method: clinical testing. Allele origin: germline.